The following is an entry in ClinVar:

NM_000138.5(FBN1):c.473del (p.Gly158fs)

Gene: FBN1 (fibrillin 1; minus strand). Cytogenetic location: 15q21.1.
Variant type: Deletion.
Coding change: c.473del on transcript NM_000138.5 (MANE Select); coding-DNA position 473, one base deleted (G; older notation c.473delG).
Protein change: p.Gly158fs; shifts the reading frame from glycine 158.
Molecular consequence: frameshift variant.
Genome position (GRCh38, 1-based): chr15:48,596,348, C deleted on the plus strand (G on the coding strand, the reverse complement: FBN1 is on the minus strand); the first of 2 consecutive C bases (chr15:48,596,348-48,596,349); deleting either gives the same sequence. VCF-style (leftmost placement, unchanged base first): chr15-48596347-TC-T. GRCh37 (hg19) VCF-style: chr15-48888544-TC-T.
Other names: c.472delG, p.Gly158Glufs (NM_000138.4); c.473del, p.Gly158fs (NM_001406716.1, NM_001406717.1); short protein forms G158fs.
Identifiers: ClinVar variation 1325417 (VCV001325417.2), dbSNP rs2140711733, ClinGen allele CA2573150793.

ClinVar aggregate classification (germline): Pathogenic (1 of 4 stars; one submission).

Conditions:
Marfan syndrome (MFS). Also called: Marfan syndrome type 1; Marfan's syndrome; FBN1-Related Marfan Syndrome; MARFAN SYNDROME, TYPE I; Marfan syndrome, classic. Identifiers: Orphanet 284963, Orphanet 558, MedGen C0024796, MONDO:0007947, OMIM 154700.

Submission:

Centre of Medical Genetics, University of Antwerp
Classification: Pathogenic for Marfan syndrome. Last evaluated: 2021-03-01. Review status: criteria provided, single submitter. Criteria: Submitter's publication. Collection method: research. Allele origin: unknown. Affected: yes.
Comment: PM2, PVS1, PP4